The following is an entry in ClinVar:

NM_130466.4(UBE3B):c.1450+4C>T

Gene: UBE3B (ubiquitin protein ligase E3B; plus strand). Cytogenetic location: 12q24.11.
Variant type: single nucleotide variant.
Coding change: c.1450+4C>T on transcript NM_130466.4 (MANE Select); 4 bases into the intron after coding-DNA position 1450, C replaced by T.
Molecular consequence: intron variant.
Genome position (GRCh38, 1-based): chr12:109,503,194, C>T. VCF-style: chr12-109503194-C-T. GRCh37 (hg19) VCF-style: chr12-109940999-C-T.
Other names: c.1450+4C>T (NM_183415.3).
Identifiers: ClinVar variation 2193965 (VCV002193965.3), dbSNP rs370786061, ClinGen allele CA6777886.

ClinVar aggregate classification (germline): Uncertain significance (1 of 4 stars; one submission).

Allele frequency attached by ClinVar (database versions not stated): gnomAD exomes 0.00001; ESP Exome Variant Server 0.00008; TOPMed 0.00008; 1000 Genomes Project 30x 0.00016.
gnomAD v4.1: 40 of 1,613,846 alleles (0.0025%); highest among the groups gnomAD compares: African/African-American, 0.029%; no homozygotes.

Submission:

Labcorp Genetics (formerly Invitae), Labcorp
Classification: Uncertain significance. Last evaluated: 2023-09-30. Review status: criteria provided, single submitter. Criteria: Invitae Variant Classification Sherloc (09022015). Collection method: clinical testing. Allele origin: germline.
Comment: This sequence change falls in intron 14 of the UBE3B gene. It does not directly change the encoded amino acid sequence of the UBE3B protein. It affects a nucleotide within the consensus splice site. This variant is present in population databases (rs370786061, gnomAD 0.02%). In summary, the available evidence is currently insufficient to determine the role of this variant in disease. Therefore, it has been classified as a Variant of Uncertain Significance. Variants that disrupt the consensus splice site are a relatively common cause of aberrant splicing (PMID: 17576681, 9536098). Algorithms developed to predict the effect of sequence changes on RNA splicing suggest that this variant is not likely to affect RNA splicing. ClinVar contains an entry for this variant (Variation ID: 2193965). This variant has not been reported in the literature in individuals affected with UBE3B-related conditions.

Literature cited by the submitters: PubMed 17576681; PubMed 9536098.